The following is an entry in ClinVar:

NM_177972.3(TUB):c.1503C>T (p.Ser501=)

Genes: RIC3 (RIC3 acetylcholine receptor chaperone; minus strand), TUB (TUB bipartite transcription factor; plus strand). Cytogenetic location: 11p15.4.
Variant type: single nucleotide variant.
Coding change: c.1503C>T on transcript NM_177972.3 (MANE Select); coding-DNA position 1503, C replaced by T.
Protein change: p.Ser501=; no amino-acid change (serine 501 retained).
Molecular consequence: synonymous variant. On other transcripts: intron variant (2).
Genome position (GRCh38, 1-based): chr11:8,101,601, C>T. VCF-style: chr11-8101601-C-T. GRCh37 (hg19) VCF-style: chr11-8123148-C-T.
Other names: c.1521C>T, p.Ser507= (NM_001440538.1); c.1353C>T, p.Ser451= (NM_001440540.1); c.1335C>T, p.Ser445= (NM_001440541.1); c.1668C>T, p.Ser556= (NM_003320.5); c.1405+604C>T (NM_001440539.1); c.1237+604C>T (NM_001440542.1).
Identifiers: ClinVar variation 4986373 (VCV004986373.1).

ClinVar aggregate classification (germline): Likely benign (1 of 4 stars; one submission).

Conditions:
TUB-related disorder. Also called: TUB-related condition.

gnomAD v4.1: 3 of 1,614,114 alleles (0.00019%); highest among the groups gnomAD compares: Non-Finnish European, 0.00017%; no homozygotes.

Submission:

PreventionGenetics, part of Exact Sciences
Classification: Likely benign for TUB-related condition. Last evaluated: 2026-01-14. Review status: criteria provided, single submitter. Criteria: ACMG Guidelines, 2015. Collection method: clinical testing. Allele origin: germline.
Comment: This variant is classified as likely benign based on ACMG/AMP sequence variant interpretation guidelines (Richards et al. 2015 PMID: 25741868, with internal and published modifications).